The following is an entry in ClinVar:

ClinVar aggregate classification (germline): Uncertain significance. Review status: criteria provided, multiple submitters, no conflicts (2 of 4 stars). 3 submissions from 3 submitters: Uncertain significance (3). Last evaluated 2026-08-17.

Conditions:
DOLK-related disorder. Also called: DOLK-related condition.
Cardiovascular phenotype. Identifiers: MedGen CN230736.
DK1-congenital disorder of glycosylation. Also called: CONGENITAL DISORDER OF GLYCOSYLATION, TYPE Im; DOLK-congenital disorder of glycosylation; Carbohydrate deficient glycoprotein syndrome type 1m; DK1-CDG; CDG Im; DK1 DEFICIENCY. Identifiers: Orphanet 91131, MedGen C1835849, MONDO:0012556, OMIM 610768.

Allele frequency attached by ClinVar (database versions not stated): TOPMed 0.00003; gnomAD 0.00004 and 0.00003; gnomAD exomes 0.00005 and 0.00002; ExAC 0.00002.
gnomAD v4.1: 42 of 1,603,964 alleles (0.0026%); highest among the groups gnomAD compares: Non-Finnish European, 0.0027%; no homozygotes.

Submissions (3):

PreventionGenetics, part of Exact Sciences
Classification: Uncertain significance for DOLK-related condition. Last evaluated: 2026-08-17. Review status: criteria provided, single submitter. Criteria: ACMG Guidelines, 2015. Collection method: clinical testing. Allele origin: germline.
Comment: The DOLK c.379G>A variant is predicted to result in the amino acid substitution p.Val127Met. To our knowledge, this variant has not been reported in the literature. This variant is reported in 0.019% of alleles in individuals of Ashkenazi Jewish descent in gnomAD. At this time, the clinical significance of this variant is uncertain due to the absence of conclusive functional and genetic evidence.

Ambry Genetics
Classification: Uncertain significance for Cardiovascular phenotype. Last evaluated: 2025-07-13. Review status: criteria provided, single submitter. Criteria: Ambry Variant Classification Scheme 2023. Collection method: clinical testing. Allele origin: germline.
Comment: The p.V127M variant (also known as c.379G>A), located in coding exon 1 of the DOLK gene, results from a G to A substitution at nucleotide position 379. The valine at codon 127 is replaced by methionine, an amino acid with highly similar properties. This amino acid position is not well conserved in available vertebrate species. In addition, the in silico prediction for this alteration is inconclusive. Since supporting evidence is limited at this time, the clinical significance of this alteration remains unclear.

Labcorp Genetics (formerly Invitae), Labcorp
Classification: Uncertain significance for DK1-congenital disorder of glycosylation. Last evaluated: 2022-10-04. Review status: criteria provided, single submitter. Criteria: Invitae Variant Classification Sherloc (09022015). Collection method: clinical testing. Allele origin: germline.
Comment: This sequence change replaces valine, which is neutral and non-polar, with methionine, which is neutral and non-polar, at codon 127 of the DOLK protein (p.Val127Met). This variant is present in population databases (rs752310792, gnomAD 0.02%). This variant has not been reported in the literature in individuals affected with DOLK-related conditions. ClinVar contains an entry for this variant (Variation ID: 639061). Advanced modeling of protein sequence and biophysical properties (such as structural, functional, and spatial information, amino acid conservation, physicochemical variation, residue mobility, and thermodynamic stability) performed at Invitae indicates that this missense variant is not expected to disrupt DOLK protein function. In summary, the available evidence is currently insufficient to determine the role of this variant in disease. Therefore, it has been classified as a Variant of Uncertain Significance.

NM_014908.4(DOLK):c.379G>A (p.Val127Met)

Gene: DOLK (dolichol kinase; minus strand). Cytogenetic location: 9q34.11.
Variant type: single nucleotide variant.
Coding change: c.379G>A on transcript NM_014908.4 (MANE Select); coding-DNA position 379, G replaced by A.
Protein change: p.Val127Met; replaces valine 127 with methionine.
Molecular consequence: missense variant.
Genome position (GRCh38, 1-based): chr9:128,946,925, C>T on the plus strand (G>A on the coding strand, the complement: DOLK is on the minus strand). VCF-style: chr9-128946925-C-T. GRCh37 (hg19) VCF-style: chr9-131709204-C-T.
Other names: short protein forms V127M.
Identifiers: ClinVar variation 639061 (VCV000639061.12), dbSNP rs752310792, ClinGen allele CA5271757.